The following is an entry in ClinVar:

NM_001367721.1(CASK):c.2515C>T (p.Pro839Ser)

Gene: CASK (calcium/calmodulin dependent serine protein kinase; minus strand). Cytogenetic location: Xp11.4.
Variant type: single nucleotide variant.
Coding change: c.2515C>T on transcript NM_001367721.1 (MANE Select); coding-DNA position 2515, C replaced by T.
Protein change: p.Pro839Ser; replaces proline 839 with serine.
Molecular consequence: missense variant.
Genome position (GRCh38, 1-based): chrX:41,531,012, G>A on the plus strand (C>T on the coding strand, the complement: CASK is on the minus strand). VCF-style: chrX-41531012-G-A. GRCh37 (hg19) VCF-style: chrX-41390265-G-A.
Other names: c.2431C>T, p.Pro811Ser (NM_001126054.3); c.2428C>T, p.Pro810Ser (NM_001126055.3); c.2497C>T, p.Pro833Ser (NM_001410745.1); c.2500C>T, p.Pro834Ser (NM_003688.4); short protein forms P810S, P811S, P833S, P834S, P839S.
Identifiers: ClinVar variation 4681343 (VCV004681343.5).

ClinVar aggregate classification (germline): Uncertain significance (1 of 4 stars; one submission).

gnomAD v4.1: 4 of 1,208,664 alleles (0.00033%); highest among the groups gnomAD compares: Middle Eastern, 0.07%; no homozygotes.

Submission:

CeGaT Center for Human Genetics Tuebingen
Classification: Uncertain significance. Last evaluated: 2025-12-01. Review status: criteria provided, single submitter. Criteria: CeGaT Center For Human Genetics Tuebingen Variant Classification Criteria Version 2. Collection method: clinical testing. Allele origin: germline. Affected: yes. Observed: 1 variant allele.
Comment: CASK: PM2